The following is an entry in ClinVar:

ClinVar aggregate classification (germline): Conflicting classifications of pathogenicity. Review status: criteria provided, conflicting classifications (1 of 4 stars). 9 submissions from 9 submitters: Pathogenic (1); Likely pathogenic (7); Uncertain significance (1). Last evaluated 2026-01-18.

Conditions:
Canavan Disease, Familial Form. Identifiers: MedGen C0751663.
Spongy degeneration of central nervous system. Also called: Canavan disease; AMINOACYLASE 2 DEFICIENCY; ACY2 DEFICIENCY; ASP DEFICIENCY; ASPA DEFICIENCY; ASPARTOACYLASE DEFICIENCY. Identifiers: Orphanet 141, MedGen C0206307, MONDO:0010079, OMIM 271900.

Allele frequency attached by ClinVar (database versions not stated): gnomAD exomes below 0.00001; gnomAD 0.00001; TOPMed 0.00001.
gnomAD v4.1: 3 of 1,613,384 alleles (0.00019%); highest among the groups gnomAD compares: Non-Finnish European, 0.00025%; no homozygotes.

Submissions (9):

GeneDx
Classification: Likely pathogenic. Last evaluated: 2026-01-18. Review status: criteria provided, single submitter. Criteria: GeneDx Variant Classification Process June 2021. Collection method: clinical testing. Allele origin: germline. Affected: yes.
Comment: Published functional studies demonstrate reduced enzyme activity compared to wild-type (PMID: 8659549); In silico analysis supports that this missense variant has a deleterious effect on protein structure/function; Not observed at significant frequency in large population cohorts (gnomAD); This variant is associated with the following publications: (PMID: 23233226, 16802711, 12638939, 8659549)

Myriad Genetics, Inc.
Classification: Uncertain significance for Spongy degeneration of central nervous system. Last evaluated: 2025-11-10. Review status: criteria provided, single submitter. Criteria: Myriad Autosomal Dominant, Autosomal Recessive and X-Linked Classification Criteria (2023). Collection method: clinical testing. Allele origin: unknown.
Comment: NM_000049.2(ASPA):c.368G>A(G123E) is a missense variant classified as a variant of uncertain significance in the context of Canavan disease. G123E has been observed in cases with relevant disease (PMID: 12638939, 8659549). Relevant functional assessments of this variant are available in the literature (PMID: 8659549). G123E has not been observed in referenced population frequency databases. In summary, there is insufficient evidence to classify NM_000049.2(ASPA):c.368G>A(G123E) as pathogenic or benign. Please note: this variant was assessed in the context of healthy population screening.

Natera, Inc.
Classification: Likely pathogenic for Canavan Disease. Last evaluated: 2025-11-04. Review status: criteria provided, single submitter. Criteria: Natera Variant Classification Schema (03/2026). Collection method: clinical testing. Allele origin: germline.
Comment: The c.368G>A variant in ASPA is a missense variant predicted to cause substitution of glycine to glutamic acid at amino acid 123. This variant is rare in the general population with a frequency below the threshold expected for the associated phenotype(s). This variant has been observed in one or more individuals affected with the associated recessive disease, as either homozygous or compound heterozygous with a second variant (PMID: 8659549). Functional studies show that this variant may disrupt protein function (PMID: 8659549). Computational prediction algorithms indicate this variant is likely to affect gene or protein function. Given the available evidence, this variant is classified as Likely Pathogenic.

Fulgent Genetics
Classification: Likely pathogenic for Spongy degeneration of central nervous system. Last evaluated: 2024-05-16. Review status: criteria provided, single submitter. Criteria: ACMG Guidelines, 2015. Collection method: clinical testing. Allele origin: germline.

Women's Health and Genetics/Laboratory Corporation of America, LabCorp
Classification: Likely pathogenic for Canavan Disease, Familial Form. Last evaluated: 2024-05-14. Review status: criteria provided, single submitter. Criteria: LabCorp Variant Classification Summary - May 2015. Collection method: clinical testing. Allele origin: germline.
Comment: Variant summary: ASPA c.368G>A (p.Gly123Glu) results in a non-conservative amino acid change in the encoded protein sequence. Five of five in-silico tools predict a damaging effect of the variant on protein function. The variant was absent in 250758 control chromosomes (gnomAD). c.368G>A has been reported in the literature in individuals affected with Canavan Disease (Kaul_1996, Zeng_2002). These data indicate that the variant may be associated with disease. At least one publication reports experimental evidence evaluating an impact on protein function, finding that the variant results in ~26% of normal activity (Kaul_1996). The following publications have been ascertained in the context of this evaluation (PMID: 8659549, 12638939). ClinVar contains an entry for this variant (Variation ID: 381631). Based on the evidence outlined above, the variant was classified as likely pathogenic.

Labcorp Genetics (formerly Invitae), Labcorp
Classification: Pathogenic for Spongy degeneration of central nervous system. Last evaluated: 2024-02-09. Review status: criteria provided, single submitter. Criteria: Invitae Variant Classification Sherloc (09022015). Collection method: clinical testing. Allele origin: germline.
Comment: This sequence change replaces glycine, which is neutral and non-polar, with glutamic acid, which is acidic and polar, at codon 123 of the ASPA protein (p.Gly123Glu). This variant is not present in population databases (gnomAD no frequency). This missense change has been observed in individual(s) with Canavan disease (PMID: 8659549, 12638939). ClinVar contains an entry for this variant (Variation ID: 381631). Advanced modeling of protein sequence and biophysical properties (such as structural, functional, and spatial information, amino acid conservation, physicochemical variation, residue mobility, and thermodynamic stability) performed at Invitae indicates that this missense variant is expected to disrupt ASPA protein function with a positive predictive value of 95%. Experimental studies have shown that this missense change affects ASPA function (PMID: 8659549). For these reasons, this variant has been classified as Pathogenic.

Baylor Genetics
Classification: Likely pathogenic for Spongy degeneration of central nervous system. Last evaluated: 2024-02-05. Review status: criteria provided, single submitter. Criteria: ACMG Guidelines, 2015. Collection method: clinical testing. Allele origin: unknown.

Revvity Omics, Revvity
Classification: Likely pathogenic for Spongy degeneration of central nervous system. Last evaluated: 2023-10-19. Review status: criteria provided, single submitter. Criteria: ACMG Guidelines, 2015. Collection method: clinical testing. Allele origin: germline.

Genetic Services Laboratory, University of Chicago
Classification: Likely pathogenic. Last evaluated: 2018-07-17. Review status: criteria provided, single submitter. Criteria: ACMG Guidelines, 2015. Collection method: clinical testing. Allele origin: germline. Affected: yes.
Comment: DNA sequence analysis of the ASPA gene demonstrated a sequence change, c.368G>A, in exon 2 that results in an amino acid change, p.Gly123Glu. The p.Gly123Glu change affects a highly conserved amino acid residue located in a domain of the ASPA protein that is known to be functional. In-silico pathogenicity prediction tools (SIFT, PolyPhen2, Align GVGD, REVEL) provide contradictory results for the p.Gly123Glu substitution. This particular amino acid change has been described in the literature in patients with Canavan disease (PMIDs: 8659549, 12638939). In vitro functional assays demonstrated decreased enzymatic activity for this variant (PMID: 8659549).

Literature cited by the submitters: PubMed 12638939 (cited by 3 submitters); PubMed 8659549 (cited by 4 submitters).

NM_000049.4(ASPA):c.368G>A (p.Gly123Glu)

Genes: ASPA (aspartoacylase; plus strand), SPATA22 (spermatogenesis associated 22; minus strand). Cytogenetic location: 17p13.2.
Variant type: single nucleotide variant.
Coding change: c.368G>A on transcript NM_000049.4 (MANE Select); coding-DNA position 368, G replaced by A.
Protein change: p.Gly123Glu; replaces glycine 123 with glutamic acid.
Molecular consequence: missense variant. On other transcripts: intron variant (2).
Genome position (GRCh38, 1-based): chr17:3,481,734, G>A. VCF-style: chr17-3481734-G-A. GRCh37 (hg19) VCF-style: chr17-3385028-G-A.
Other names: c.368G>A, p.Gly123Glu (NM_001128085.1); c.-73-12336C>T (NM_001321336.2, NM_001321337.2); short protein forms G123E.
Identifiers: ClinVar variation 381631 (VCV000381631.24), dbSNP rs1057521115, ClinGen allele CA16608396.